The following is an entry in ClinVar:

GRCh38/hg38 Xq21.1-21.2(chrX:80329330-86150446)x1

Genes: APOOL (apolipoprotein O like; plus strand), BRWD3 (bromodomain and WD repeat domain containing 3; minus strand), CHM (CHM Rab escort protein; minus strand), CYLC1 (cylicin 1; plus strand), DACH2 (dachshund family transcription factor 2; plus strand) and 27 more. Cytogenetic location: Xq21.1-21.2.
Variant type: copy number loss.
Change: copy number 1 of chrX:80,329,330-86,150,446 (5.82 Mb, GRCh38 coordinates, 1-based), cytogenetic band Xq21.1-21.2.
Identifiers: ClinVar variation 57928 (VCV000057928.1).

ClinVar aggregate classification (germline): Pathogenic (1 of 4 stars; one submission).

Submission:

ISCA site 14
Classification: Pathogenic. Last evaluated: 2011-08-12. Review status: criteria provided, single submitter. Criteria: Kaminsky et al. (Genet Med. 2011). Collection method: clinical testing. Allele origin: unknown. Affected: yes. Observed: 1 variant allele.
Comment: Copy number variation identified through the course of routine clinical cytogenomic testing in postnatal populations. Clinical assertions have been curated as described in Kaminsky et al. 2011.